The following is an entry in ClinVar:

ClinVar aggregate classification (germline): Uncertain significance (1 of 4 stars; one submission).

Conditions:
Familial adenomatous polyposis 1 (FAP1). Also called: FAMILIAL ADENOMATOUS POLYPOSIS 1, ATTENUATED; POLYPOSIS, ADENOMATOUS INTESTINAL. Identifiers: MedGen C2713442, MONDO:0021056, OMIM 175100. Disease mechanism: loss of function.

Allele frequency attached by ClinVar (database versions not stated): gnomAD 0.00001; gnomAD exomes 0.00001; TOPMed 0.00001.
gnomAD v4.1: 7 of 958,266 alleles (0.00073%); highest among the groups gnomAD compares: South Asian, 0.003%; no homozygotes.

Submission:

Labcorp Genetics (formerly Invitae), Labcorp
Classification: Uncertain significance for Familial adenomatous polyposis 1. Last evaluated: 2026-01-06. Review status: criteria provided, single submitter. Criteria: Invitae Variant Classification Sherloc (09022015). Collection method: clinical testing. Allele origin: germline.
Comment: This variant occurs in a non-coding region of the APC gene. It does not change the encoded amino acid sequence of the APC protein. This variant is not present in population databases (gnomAD no frequency). This variant has not been reported in the literature in individuals affected with APC-related conditions. ClinVar contains an entry for this variant (Variation ID: 469837). Experimental studies and prediction algorithms are not available or were not evaluated, and the functional significance of this variant is currently unknown. In summary, the available evidence is currently insufficient to determine the role of this variant in disease. Therefore, it has been classified as a Variant of Uncertain Significance.

NM_001127511.3(APC):c.-135C>T

Gene: APC (APC regulator of Wnt signaling pathway; plus strand). Cytogenetic location: 5q22.2.
Variant type: single nucleotide variant.
Coding change: c.-135C>T on transcript NM_001127511.3; 135 bases upstream of the start codon, C replaced by T.
Molecular consequence: 5 prime UTR variant. On other transcripts: non-coding transcript variant (2).
Genome position (GRCh38, 1-based): chr5:112,707,583, C>T. VCF-style: chr5-112707583-C-T. GRCh37 (hg19) VCF-style: chr5-112043280-C-T.
Other names: c.-318C>T (NM_001354895.2, NM_001407447.1, NM_001407452.1 and 3 more transcripts); c.-135C>T (NM_001354897.2, NM_001354902.2, NM_001407446.1); c.-85C>T (NM_001407448.1, NM_001407450.1, NM_001407457.1 and 1 more transcripts); c.-109C>T (NM_001407453.1); c.-1353C>T (NM_001407470.1, NM_001407472.1).
Identifiers: ClinVar variation 469837 (VCV000469837.10), dbSNP rs1311747020, ClinGen allele CA658655893.